The following is an entry in ClinVar:

ClinVar aggregate classification (germline): Benign/Likely benign. Review status: criteria provided, multiple submitters, no conflicts (2 of 4 stars). 4 submissions from 4 submitters: Benign (1); Likely benign (3). Last evaluated 2025-08-07.

Conditions:
Tuberous sclerosis 1 (TSC1). Identifiers: Orphanet 805, MedGen C1854465, MONDO:0008612, OMIM 191100.
Tuberous sclerosis syndrome (TSC). Also called: Tuberous Sclerosis Complex; Tuberous sclerosis. Identifiers: Orphanet 805, MedGen C0041341, MONDO:0001734.
Hereditary cancer-predisposing syndrome. Also called: Neoplastic Syndromes, Hereditary; Tumor predisposition; Hereditary Cancer Syndrome; Hereditary neoplastic syndrome. Identifiers: Orphanet 140162, MedGen C0027672, MeSH D009386, MONDO:0015356.

Allele frequency attached by ClinVar (database versions not stated): TOPMed below 0.00001.

Submissions (4):

Labcorp Genetics (formerly Invitae), Labcorp
Classification: Likely benign for Tuberous sclerosis 1. Last evaluated: 2025-08-07. Review status: criteria provided, single submitter. Criteria: Invitae Variant Classification Sherloc (09022015). Collection method: clinical testing. Allele origin: germline.

Color Diagnostics, LLC DBA Color Health
Classification: Likely benign for Tuberous sclerosis syndrome. Last evaluated: 2025-06-30. Review status: criteria provided, single submitter. Criteria: ACMG Guidelines, 2015. Collection method: clinical testing. Allele origin: germline.

Myriad Genetics, Inc.
Classification: Benign for Tuberous sclerosis 1. Last evaluated: 2025-04-10. Review status: criteria provided, single submitter. Criteria: Myriad Autosomal Dominant, Autosomal Recessive and X-Linked Classification Criteria (2023). Collection method: clinical testing. Allele origin: unknown.
Comment: This variant is considered benign. This variant is a silent/synonymous amino acid change and it is not expected to impact splicing.

Ambry Genetics
Classification: Likely benign for Hereditary cancer-predisposing syndrome. Last evaluated: 2022-08-22. Review status: criteria provided, single submitter. Criteria: Ambry Variant Classification Scheme 2023. Collection method: clinical testing. Allele origin: germline.

NM_000368.5(TSC1):c.1950C>T (p.Asp650=)

Gene: TSC1 (TSC complex subunit 1; minus strand). Cytogenetic location: 9q34.13.
Variant type: single nucleotide variant.
Coding change: c.1950C>T on transcript NM_000368.5 (MANE Select); coding-DNA position 1950, C replaced by T.
Protein change: p.Asp650=; no amino-acid change (aspartic acid 650 retained).
Molecular consequence: synonymous variant.
Genome position (GRCh38, 1-based): chr9:132,905,628, G>A on the plus strand (C>T on the coding strand, the complement: TSC1 is on the minus strand). VCF-style: chr9-132905628-G-A. GRCh37 (hg19) VCF-style: chr9-135781015-G-A.
Other names: c.1947C>T, p.Asp649= (NM_001162426.2); c.1797C>T, p.Asp599= (NM_001162427.2); c.1587C>T, p.Asp529= (NM_001362177.2).
Identifiers: ClinVar variation 1127188 (VCV001127188.13), dbSNP rs1845608638, ClinGen allele CA467812915.
Genomic context (GRCh38, chr9:132,905,628, plus strand): 5'-CCCAGTCCCTTACTTGTTCAGCTCCTTGCTGTGCGCGTCTGCTCCCTGCTGTATCAGTCT[G>A]TCCAGCACTTCCATTGGGGAGGTAGAGGGCACACCATCTTCCTCTGTGTTTCCTTTTGCT-3'
Protein context (NP_000359.1, residues 640-660): VPSTSPMEVL[Asp650=]RLIQQGADAH